The following is an entry in ClinVar:

ClinVar aggregate classification (germline): Uncertain significance. Review status: criteria provided, multiple submitters, no conflicts (2 of 4 stars). 2 submissions from 2 submitters: Uncertain significance (2). Last evaluated 2024-12-04.

Conditions:
Imerslund-Grasbeck syndrome. Also called: PERNICIOUS ANEMIA, JUVENILE, DUE TO SELECTIVE INTESTINAL MALABSORPTION OF VITAMIN B12, WITH PROTEINURIA; Megaloblastic anemia due to inborn errors of metabolism; ENTEROCYTE COBALAMIN MALABSORPTION; ENTEROCYTE INTRINSIC FACTOR RECEPTOR, DEFECT OF; Imerslund-Gräsbeck syndrome. Identifiers: Orphanet 35858, MedGen C4551825, MONDO:0009853.
Proteinuria, chronic benign. Identifiers: MedGen C5394384, MONDO:0030042, OMIM 618884.
Imerslund-Grasbeck syndrome type 1 (IGS1). Also called: Imerslund-Gräsbeck syndrome 1; Megaloblastic anemia 1, Finnish type; MEGALOBLASTIC ANEMIA, 1. Identifiers: MedGen C4016819, MONDO:0100156, OMIM 261100.

Allele frequency attached by ClinVar (database versions not stated): gnomAD exomes 0.00001; TOPMed 0.00002; ExAC 0.00002; gnomAD 0.00001.
gnomAD v4.1: 22 of 1,613,992 alleles (0.0014%); highest among the groups gnomAD compares: Admixed American, 0.0033%; no homozygotes.

Submissions (2):

Labcorp Genetics (formerly Invitae), Labcorp
Classification: Uncertain significance for Imerslund-Grasbeck syndrome. Last evaluated: 2024-12-04. Review status: criteria provided, single submitter. Criteria: Invitae Variant Classification Sherloc (09022015). Collection method: clinical testing. Allele origin: germline.
Comment: This sequence change replaces aspartic acid, which is acidic and polar, with asparagine, which is neutral and polar, at codon 3560 of the CUBN protein (p.Asp3560Asn). This variant is present in population databases (rs768846551, gnomAD 0.01%). This variant has not been reported in the literature in individuals affected with CUBN-related conditions. ClinVar contains an entry for this variant (Variation ID: 1397958). Invitae Evidence Modeling of protein sequence and biophysical properties (such as structural, functional, and spatial information, amino acid conservation, physicochemical variation, residue mobility, and thermodynamic stability) indicates that this missense variant is expected to disrupt CUBN protein function with a positive predictive value of 80%. In summary, the available evidence is currently insufficient to determine the role of this variant in disease. Therefore, it has been classified as a Variant of Uncertain Significance.

Fulgent Genetics
Classification: Uncertain significance for Imerslund-Grasbeck syndrome type 1; Proteinuria, chronic benign. Last evaluated: 2024-03-26. Review status: criteria provided, single submitter. Criteria: ACMG Guidelines, 2015. Collection method: clinical testing. Allele origin: germline.

NM_001081.4(CUBN):c.10678G>A (p.Asp3560Asn)

Gene: CUBN (cubilin; minus strand). Cytogenetic location: 10p13.
Variant type: single nucleotide variant.
Coding change: c.10678G>A on transcript NM_001081.4 (MANE Select); coding-DNA position 10678, G replaced by A.
Protein change: p.Asp3560Asn; replaces aspartic acid 3560 with asparagine.
Molecular consequence: missense variant.
Genome position (GRCh38, 1-based): chr10:16,828,891, C>T on the plus strand (G>A on the coding strand, the complement: CUBN is on the minus strand). VCF-style: chr10-16828891-C-T. GRCh37 (hg19) VCF-style: chr10-16870890-C-T.
Other names: short protein forms D3560N.
Identifiers: ClinVar variation 1397958 (VCV001397958.7), dbSNP rs768846551, ClinGen allele CA5422318.